The following is an entry in ClinVar:

NM_001135649.3(FOXI3):c.379G>A (p.Gly127Arg)

Gene: FOXI3 (forkhead box I3; minus strand). Cytogenetic location: 2p11.2.
Variant type: single nucleotide variant.
Coding change: c.379G>A on transcript NM_001135649.3 (MANE Select); coding-DNA position 379, G replaced by A.
Protein change: p.Gly127Arg; replaces glycine 127 with arginine.
Molecular consequence: missense variant.
Genome position (GRCh38, 1-based): chr2:88,452,157, C>T on the plus strand (G>A on the coding strand, the complement: FOXI3 is on the minus strand). VCF-style: chr2-88452157-C-T. GRCh37 (hg19) VCF-style: chr2-88751676-C-T.
Other names: short protein forms G127R.
Identifiers: ClinVar variation 4763157 (VCV004763157.1).

ClinVar aggregate classification (germline): Uncertain significance (1 of 4 stars; one submission).

Submission:

Labcorp Genetics (formerly Invitae), Labcorp
Classification: Uncertain significance. Last evaluated: 2025-12-22. Review status: criteria provided, single submitter. Criteria: Invitae Variant Classification Sherloc (09022015). Collection method: clinical testing. Allele origin: germline.
Comment: This sequence change replaces glycine, which is neutral and non-polar, with arginine, which is basic and polar, at codon 127 of the FOXI3 protein (p.Gly127Arg). This variant is not present in population databases (gnomAD no frequency). This variant has not been reported in the literature in individuals affected with FOXI3-related conditions. Experimental studies and prediction algorithms are not available or were not evaluated, and the functional significance of this variant is currently unknown. In summary, the available evidence is currently insufficient to determine the role of this variant in disease. Therefore, it has been classified as a Variant of Uncertain Significance.